The following is an entry in ClinVar:

ClinVar aggregate classification (germline): Likely benign. Review status: criteria provided, multiple submitters, no conflicts (2 of 4 stars). 2 submissions from 2 submitters: Likely benign (2). Last evaluated 2025-11-18.

Allele frequency attached by ClinVar (database versions not stated): gnomAD exomes below 0.00001.
gnomAD v4.1: 4 of 1,610,686 alleles (0.00025%); highest among the groups gnomAD compares: Non-Finnish European, 0.00025%; no homozygotes.

Submissions (2):

Labcorp Genetics (formerly Invitae), Labcorp
Classification: Likely benign. Last evaluated: 2025-11-18. Review status: criteria provided, single submitter. Criteria: Invitae Variant Classification Sherloc (09022015). Collection method: clinical testing. Allele origin: germline.

CeGaT Center for Human Genetics Tuebingen
Classification: Likely benign. Last evaluated: 2025-11-01. Review status: criteria provided, single submitter. Criteria: CeGaT Center For Human Genetics Tuebingen Variant Classification Criteria Version 2. Collection method: clinical testing. Allele origin: germline. Affected: yes. Observed: 1 variant allele.
Comment: ADGRV1: BP4, BP7

NM_032119.4(ADGRV1):c.9559C>T (p.Leu3187=)

Gene: ADGRV1 (adhesion G protein-coupled receptor V1; plus strand). Cytogenetic location: 5q14.3.
Variant type: single nucleotide variant.
Coding change: c.9559C>T on transcript NM_032119.4 (MANE Select); coding-DNA position 9559, C replaced by T.
Protein change: p.Leu3187=; no amino-acid change (leucine 3187 retained).
Molecular consequence: synonymous variant. On other transcripts: non-coding transcript variant (1).
Genome position (GRCh38, 1-based): chr5:90,720,159, C>T. VCF-style: chr5-90720159-C-T. GRCh37 (hg19) VCF-style: chr5-90015976-C-T.
Identifiers: ClinVar variation 2848624 (VCV002848624.9), dbSNP rs2531257330, ClinGen allele CA445414416.
Genomic context (GRCh38, chr5:90,720,159, plus strand): 5'-TTTGTTTGCACCTTGTTTAATCCAACTGGAGGTGCTAGACTAGGGGTGCATGTTCAAACC[C>T]TGATAACAGTTTTGCAAAACCAGGCCCCTTTGGGGCTATTCAGTATCTCTGCAGTTGAAA-3'
Protein context (NP_115495.3, residues 3177-3197): GARLGVHVQT[Leu3187=]ITVLQNQAPL